The following is an entry in ClinVar:

ClinVar aggregate classification (germline): Uncertain significance (1 of 4 stars; one submission).

gnomAD v4.1: 10 of 1,614,034 alleles (0.00062%); highest among the groups gnomAD compares: Non-Finnish European, 0.00085%; no homozygotes.

Submission:

Women's Health and Genetics/Laboratory Corporation of America, LabCorp
Classification: Uncertain significance. Last evaluated: 2025-10-29. Review status: criteria provided, single submitter. Criteria: LabCorp Variant Classification Summary - May 2015. Collection method: clinical testing. Allele origin: germline.
Comment: Variant summary: DIAPH3 c.230G>A (p.Ser77Asn) results in a conservative amino acid change in the encoded protein sequence. Algorithms developed to predict the effect of missense changes on protein structure and function are either unavailable or do not agree on the potential impact of this missense change. The variant allele was found at a frequency of 4e-06 in 249490 control chromosomes. The available data on variant occurrences in the general population are insufficient to allow any conclusion about variant significance. To our knowledge, no occurrence of c.230G>A in individuals affected with DIAPH3-related conditions and no experimental evidence demonstrating its impact on protein function have been reported. No submitters have cited clinical-significance assessments for this variant to ClinVar. Based on the evidence outlined above, the variant was classified as uncertain significance.

NM_001042517.2(DIAPH3):c.230G>A (p.Ser77Asn)

Gene: DIAPH3 (diaphanous related formin 3; minus strand). Cytogenetic location: 13q21.2.
Variant type: single nucleotide variant.
Coding change: c.230G>A on transcript NM_001042517.2 (MANE Select); coding-DNA position 230, G replaced by A.
Protein change: p.Ser77Asn; replaces serine 77 with asparagine.
Molecular consequence: missense variant. On other transcripts: intron variant (1).
Genome position (GRCh38, 1-based): chr13:60,112,170, C>T on the plus strand (G>A on the coding strand, the complement: DIAPH3 is on the minus strand). VCF-style: chr13-60112170-C-T. GRCh37 (hg19) VCF-style: chr13-60686304-C-T.
Other names: c.230G>A, p.Ser77Asn (NM_001258369.2); c.181-18438G>A (NM_001258368.2); c.197G>A, p.Ser66Asn (NM_001258366.2, NM_001258367.2); short protein forms S66N, S77N.
Identifiers: ClinVar variation 4687643 (VCV004687643.1).